The following is an entry in ClinVar:

ClinVar aggregate classification (germline): Benign (1 of 4 stars; one submission).

Submission:

GeneDx
Classification: Benign. Last evaluated: 2018-06-19. Review status: criteria provided, single submitter. Criteria: GeneDx Variant Classification (06012015). Collection method: clinical testing. Allele origin: germline. Affected: yes.
Comment: This variant is considered likely benign or benign based on one or more of the following criteria: it is a conservative change, it occurs at a poorly conserved position in the protein, it is predicted to be benign by multiple in silico algorithms, and/or has population frequency not consistent with disease.

NM_021252.4(RAB18):c.-443C>T

Gene: RAB18 (RAB18, member RAS oncogene family; plus strand). Cytogenetic location: 10p12.1.
Variant type: single nucleotide variant.
Coding change: c.-443C>T on transcript NM_021252.4; 443 bases upstream of the start codon, C replaced by T.
Genome position (GRCh38, 1-based): chr10:27,503,927, C>T. VCF-style: chr10-27503927-C-T. GRCh37 (hg19) VCF-style: chr10-27792856-C-T.
Identifiers: ClinVar variation 679850 (VCV000679850.3), dbSNP rs1589552963, ClinGen allele CA915945878.